The following is an entry in ClinVar:

ClinVar aggregate classification (germline): Uncertain significance (1 of 4 stars; one submission).

Allele frequency attached by ClinVar (database versions not stated): ExAC 0.00002.
gnomAD v4.1: 12 of 1,602,636 alleles (0.00075%); highest among the groups gnomAD compares: Middle Eastern, 0.033%; no homozygotes.

Submission:

Labcorp Genetics (formerly Invitae), Labcorp
Classification: Uncertain significance. Last evaluated: 2022-08-16. Review status: criteria provided, single submitter. Criteria: Invitae Variant Classification Sherloc (09022015). Collection method: clinical testing. Allele origin: germline.
Comment: This variant has not been reported in the literature in individuals affected with LIG1-related conditions. In summary, the available evidence is currently insufficient to determine the role of this variant in disease. Therefore, it has been classified as a Variant of Uncertain Significance. Algorithms developed to predict the effect of sequence changes on RNA splicing suggest that this variant may create or strengthen a splice site. Algorithms developed to predict the effect of missense changes on protein structure and function are either unavailable or do not agree on the potential impact of this missense change (SIFT: "Deleterious"; PolyPhen-2: "Possibly Damaging"; Align-GVGD: "Class C0"). This variant is present in population databases (rs766064327, gnomAD 0.003%). This sequence change replaces arginine, which is basic and polar, with glutamine, which is neutral and polar, at codon 364 of the LIG1 protein (p.Arg364Gln).

NM_000234.3(LIG1):c.1091G>A (p.Arg364Gln)

Gene: LIG1 (DNA ligase 1; minus strand). Cytogenetic location: 19q13.33.
Variant type: single nucleotide variant.
Coding change: c.1091G>A on transcript NM_000234.3 (MANE Select); coding-DNA position 1091, G replaced by A.
Protein change: p.Arg364Gln; replaces arginine 364 with glutamine.
Molecular consequence: missense variant. On other transcripts: non-coding transcript variant (6).
Genome position (GRCh38, 1-based): chr19:48,137,685, C>T on the plus strand (G>A on the coding strand, the complement: LIG1 is on the minus strand). VCF-style: chr19-48137685-C-T. GRCh37 (hg19) VCF-style: chr19-48640942-C-T.
Other names: c.998G>A, p.Arg333Gln (NM_001289063.2); c.887G>A, p.Arg296Gln (NM_001289064.2); c.1088G>A, p.Arg363Gln (NM_001320970.2); c.1001G>A, p.Arg334Gln (NM_001320971.2); short protein forms R296Q, R333Q, R334Q, R363Q, R364Q.
Identifiers: ClinVar variation 1716529 (VCV001716529.3), dbSNP rs766064327, ClinGen allele CA9546954.